The following is an entry in ClinVar:

NM_001371928.1(AHDC1):c.3080G>A (p.Gly1027Asp)

Gene: AHDC1 (AT-hook DNA binding motif containing 1; minus strand). Cytogenetic location: 1p36.11.
Variant type: single nucleotide variant.
Coding change: c.3080G>A on transcript NM_001371928.1 (MANE Select); coding-DNA position 3080, G replaced by A.
Protein change: p.Gly1027Asp; replaces glycine 1027 with aspartic acid.
Molecular consequence: missense variant.
Genome position (GRCh38, 1-based): chr1:27,549,036, C>T on the plus strand (G>A on the coding strand, the complement: AHDC1 is on the minus strand). VCF-style: chr1-27549036-C-T. GRCh37 (hg19) VCF-style: chr1-27875547-C-T.
Other names: c.3080G>A, p.Gly1027Asp (NM_001029882.3); short protein forms G1027D.
Identifiers: ClinVar variation 1473773 (VCV001473773.6), dbSNP rs1443595618, ClinGen allele CA339228410.
Genomic context (GRCh38, chr1:27,549,036, plus strand): 5'-GAGAAGGGGGCCCCCTCAGAGCTGCTGAAGAAGGAGGCCTTGCTTGGTGGCAGGCAGGGG[C>T]CCCCGGTAGGCGGTGGGGCATAGCCGGCGCTGTGGGCGCTGCTGGGTGAGGCAGGGAGGC-3'
Protein context (NP_001358857.1, residues 1017-1037): SAGYAPPPTG[Gly1027Asp]PCLPPSKASF

ClinVar aggregate classification (germline): Uncertain significance (1 of 4 stars; one submission).

Allele frequency attached by ClinVar (database versions not stated): gnomAD 0.00001.
gnomAD v4.1: 2 of 1,572,768 alleles (0.00013%); highest among the groups gnomAD compares: Admixed American, 0.0018%; no homozygotes.

Submission:

Labcorp Genetics (formerly Invitae), Labcorp
Classification: Uncertain significance. Last evaluated: 2021-12-02. Review status: criteria provided, single submitter. Criteria: Invitae Variant Classification Sherloc (09022015). Collection method: clinical testing. Allele origin: germline.
Comment: In summary, the available evidence is currently insufficient to determine the role of this variant in disease. Therefore, it has been classified as a Variant of Uncertain Significance. Algorithms developed to predict the effect of missense changes on protein structure and function are either unavailable or do not agree on the potential impact of this missense change (SIFT: "Tolerated"; PolyPhen-2: "Probably Damaging"; Align-GVGD: "Class C0"). This variant has not been reported in the literature in individuals affected with AHDC1-related conditions. This variant is present in population databases (no rsID available, gnomAD no frequency). This sequence change replaces glycine, which is neutral and non-polar, with aspartic acid, which is acidic and polar, at codon 1027 of the AHDC1 protein (p.Gly1027Asp).